The following is an entry in ClinVar:

NM_000038.6(APC):c.1298A>G (p.Gln433Arg)

Gene: APC (APC regulator of Wnt signaling pathway; plus strand). Cytogenetic location: 5q22.2.
Variant type: single nucleotide variant.
Coding change: c.1298A>G on transcript NM_000038.6 (MANE Select); coding-DNA position 1298, A replaced by G.
Protein change: p.Gln433Arg; replaces glutamine 433 with arginine.
Molecular consequence: missense variant.
Genome position (GRCh38, 1-based): chr5:112,819,330, A>G. VCF-style: chr5-112819330-A-G. GRCh37 (hg19) VCF-style: chr5-112155027-A-G.
Other names: c.1298A>G, p.Gln433Arg (NM_001354895.2, NM_001354896.2, NM_001127510.3); c.1328A>G, p.Gln443Arg (NM_001354897.2); c.1223A>G, p.Gln408Arg (NM_001354898.2); c.1214A>G, p.Gln405Arg (NM_001354899.2); c.1121A>G, p.Gln374Arg (NM_001354900.2, NM_001354901.2); c.1025A>G, p.Gln342Arg (NM_001354902.2); c.995A>G, p.Gln332Arg (NM_001354903.2); c.920A>G, p.Gln307Arg (NM_001354904.2); and 3 more; short protein forms Q433R, Q415R, Q342R, Q374R, Q405R, Q443R, Q273R, Q150R.
Identifiers: ClinVar variation 537456 (VCV000537456.15), dbSNP rs1064793424, ClinGen allele CA16024148.

ClinVar aggregate classification (germline): Uncertain significance. Review status: criteria provided, multiple submitters, no conflicts (2 of 4 stars). 4 submissions from 4 submitters: Uncertain significance (4). Last evaluated 2025-02-28.

Conditions:
Hereditary cancer-predisposing syndrome. Also called: Tumor predisposition; Hereditary Cancer Syndrome; Hereditary neoplastic syndrome; Neoplastic Syndromes, Hereditary. Identifiers: Orphanet 140162, MedGen C0027672, MeSH D009386, MONDO:0015356.
Familial adenomatous polyposis 1 (FAP1). Also called: FAMILIAL ADENOMATOUS POLYPOSIS 1, ATTENUATED; POLYPOSIS, ADENOMATOUS INTESTINAL. Identifiers: MedGen C2713442, MONDO:0021056, OMIM 175100. Disease mechanism: loss of function.

Submissions (4):

Ambry Genetics
Classification: Uncertain significance for Hereditary cancer-predisposing syndrome. Last evaluated: 2025-02-28. Review status: criteria provided, single submitter. Criteria: Ambry Variant Classification Scheme 2023. Collection method: clinical testing. Allele origin: germline.
Comment: The p.Q433R variant (also known as c.1298A>G), located in coding exon 9 of the APC gene, results from an A to G substitution at nucleotide position 1298. The glutamine at codon 433 is replaced by arginine, an amino acid with highly similar properties. This amino acid position is conserved. In addition, in silico predictors for this gene do not accurately predict pathogenicity. Based on the available evidence, the clinical significance of this variant remains unclear.

GeneDx
Classification: Uncertain significance. Last evaluated: 2024-04-17. Review status: criteria provided, single submitter. Criteria: GeneDx Variant Classification Process June 2021. Collection method: clinical testing. Allele origin: germline. Affected: yes.
Comment: Not observed at significant frequency in large population cohorts (gnomAD); In silico analysis supports that this missense variant does not alter protein structure/function; Has not been previously published as pathogenic or benign to our knowledge

Labcorp Genetics (formerly Invitae), Labcorp
Classification: Uncertain significance for Familial adenomatous polyposis 1. Last evaluated: 2024-01-02. Review status: criteria provided, single submitter. Criteria: Invitae Variant Classification Sherloc (09022015). Collection method: clinical testing. Allele origin: germline.
Comment: This sequence change replaces glutamine, which is neutral and polar, with arginine, which is basic and polar, at codon 433 of the APC protein (p.Gln433Arg). This variant is not present in population databases (gnomAD no frequency). This variant has not been reported in the literature in individuals affected with APC-related conditions. ClinVar contains an entry for this variant (Variation ID: 537456). Advanced modeling of protein sequence and biophysical properties (such as structural, functional, and spatial information, amino acid conservation, physicochemical variation, residue mobility, and thermodynamic stability) performed at Invitae indicates that this missense variant is not expected to disrupt APC protein function with a negative predictive value of 95%. In summary, the available evidence is currently insufficient to determine the role of this variant in disease. Therefore, it has been classified as a Variant of Uncertain Significance.

Color Diagnostics, LLC DBA Color Health
Classification: Uncertain significance for Hereditary cancer-predisposing syndrome. Last evaluated: 2019-02-05. Review status: criteria provided, single submitter. Criteria: ACMG Guidelines, 2015. Collection method: clinical testing. Allele origin: germline.